The following is an entry in ClinVar:

ClinVar aggregate classification (germline): Benign (1 of 4 stars; one submission).

Allele frequency attached by ClinVar (database versions not stated): 1000 Genomes Project 30x 0.10712; 1000 Genomes Project 0.10803; TOPMed 0.12077; gnomAD 0.12157 and 0.12264.
gnomAD v4.1: 18,633 of 152,134 alleles (12%); highest among the groups gnomAD compares: South Asian, 16%; 1,247 homozygotes.

Submission:

GeneDx
Classification: Benign. Last evaluated: 2018-06-14. Review status: criteria provided, single submitter. Criteria: GeneDx Variant Classification (06012015). Collection method: clinical testing. Allele origin: germline. Affected: yes.
Comment: This variant is considered likely benign or benign based on one or more of the following criteria: it is a conservative change, it occurs at a poorly conserved position in the protein, it is predicted to be benign by multiple in silico algorithms, and/or has population frequency not consistent with disease.

NM_001386795.1(DTNA):c.710-544C>T

Gene: DTNA (dystrobrevin alpha; plus strand). Cytogenetic location: 18q12.1.
Variant type: single nucleotide variant.
Coding change: c.710-544C>T on transcript NM_001386795.1 (MANE Select); 544 bases into the intron before coding-DNA position 710, C replaced by T.
Molecular consequence: intron variant.
Genome position (GRCh38, 1-based): chr18:34,817,620, C>T. VCF-style: chr18-34817620-C-T. GRCh37 (hg19) VCF-style: chr18-32397584-C-T.
Other names: c.710-544C>T (NM_032975.4, NM_001386761.1, NM_001386762.1 and 34 more transcripts); c.603+5507C>T (NM_001198945.2).
Identifiers: ClinVar variation 683846 (VCV000683846.1), dbSNP rs9959254, ClinGen allele CA15917661.